The following is an entry in ClinVar:

NM_000883.4(IMPDH1):c.602C>T (p.Thr201Met)

Gene: IMPDH1 (inosine monophosphate dehydrogenase 1; minus strand). Cytogenetic location: 7q32.1.
Variant type: single nucleotide variant.
Coding change: c.602C>T on transcript NM_000883.4 (MANE Select); coding-DNA position 602, C replaced by T.
Protein change: p.Thr201Met; replaces threonine 201 with methionine.
Molecular consequence: missense variant.
Genome position (GRCh38, 1-based): chr7:128,400,517, G>A on the plus strand (C>T on the coding strand, the complement: IMPDH1 is on the minus strand). VCF-style: chr7-128400517-G-A. GRCh37 (hg19) VCF-style: chr7-128040571-G-A.
Other names: c.572C>T, p.Thr191Met (NM_001102605.2); c.347C>T, p.Thr116Met (NM_001142573.2); c.332C>T, p.Thr111Met (NM_001142574.2); c.272C>T, p.Thr91Met (NM_001142575.2); c.503C>T, p.Thr168Met (NM_001142576.2); c.395C>T, p.Thr132Met (NM_001304521.2); c.494C>T, p.Thr165Met (NM_183243.3); short protein forms T168M, T191M, T116M, T111M, T132M, T165M, T201M, T91M.
Identifiers: ClinVar variation 1042840 (VCV001042840.8), dbSNP rs530528335, ClinGen allele CA4471097.

ClinVar aggregate classification (germline): Uncertain significance. Review status: criteria provided, multiple submitters, no conflicts (2 of 4 stars). 2 submissions from 2 submitters: Uncertain significance (2). Last evaluated 2026-01-20.

Allele frequency attached by ClinVar (database versions not stated): gnomAD exomes 0.00001; TOPMed 0.00001; ExAC 0.00002; gnomAD 0.00004 and 0.00005; 1000 Genomes Project 30x 0.00016; 1000 Genomes Project 0.00020.

Submissions (2):

Labcorp Genetics (formerly Invitae), Labcorp
Classification: Uncertain significance. Last evaluated: 2026-01-20. Review status: criteria provided, single submitter. Criteria: Invitae Variant Classification Sherloc (09022015). Collection method: clinical testing. Allele origin: germline.
Comment: This sequence change replaces threonine, which is neutral and polar, with methionine, which is neutral and non-polar, at codon 201 of the IMPDH1 protein (p.Thr201Met). This variant is present in population databases (rs530528335, gnomAD 0.01%). This missense change has been observed in individuals with autosomal dominant retinitis pigmentosa (PMID: 16384941, 31322791; internal data). This variant is also known as Thr116Met. ClinVar contains an entry for this variant (Variation ID: 1042840). An algorithm developed to predict the effect of missense changes on protein structure and function (PolyPhen-2) suggests that this variant is likely to be tolerated. In summary, the available evidence is currently insufficient to determine the role of this variant in disease. Therefore, it has been classified as a Variant of Uncertain Significance.

Blueprint Genetics
Classification: Uncertain significance. Last evaluated: 2022-10-05. Review status: criteria provided, single submitter. Criteria: ACMG Guidelines, 2015. Collection method: clinical testing. Allele origin: germline.

Literature cited by the submitters: PubMed 16384941 (cited by Labcorp Genetics (formerly Invitae), Labcorp); PubMed 31322791 (cited by Labcorp Genetics (formerly Invitae), Labcorp).